The following is an entry in ClinVar:

NM_001042492.3(NF1):c.6449G>C (p.Arg2150Thr)

Gene: NF1 (neurofibromin 1; plus strand). Cytogenetic location: 17q11.2.
Variant type: single nucleotide variant.
Coding change: c.6449G>C on transcript NM_001042492.3 (MANE Select); coding-DNA position 6449, G replaced by C.
Protein change: p.Arg2150Thr; replaces arginine 2150 with threonine.
Molecular consequence: missense variant.
Genome position (GRCh38, 1-based): chr17:31,337,389, G>C. VCF-style: chr17-31337389-G-C. GRCh37 (hg19) VCF-style: chr17-29664407-G-C.
Other names: c.6386G>C, p.Arg2129Thr (NM_000267.4); short protein forms R2129T, R2150T.
Identifiers: ClinVar variation 1395183 (VCV001395183.10), dbSNP rs2069704009, ClinGen allele CA399013034.

ClinVar aggregate classification (germline): Conflicting classifications of pathogenicity. Review status: criteria provided, conflicting classifications (1 of 4 stars). 4 submissions from 4 submitters: Uncertain significance (3); Likely benign (1). Last evaluated 2026-05-22.

Conditions:
NF1-related disorder. Also called: NF1-related condition. Identifiers: MedGen CN379171.
Hereditary cancer-predisposing syndrome. Also called: Hereditary Cancer Syndrome; Tumor predisposition; Neoplastic Syndromes, Hereditary; Hereditary neoplastic syndrome. Identifiers: Orphanet 140162, MedGen C0027672, MeSH D009386, MONDO:0015356.
Cardiovascular phenotype. Identifiers: MedGen CN230736.
Neurofibromatosis, type 1 (NF1). Also called: NEUROFIBROMATOSIS, TYPE I, SOMATIC; Neurofibromatosis, type I; VON RECKLINGHAUSEN DISEASE; Peripheral type neurofibromatosis. Identifiers: Orphanet 636, MedGen C0027831, MONDO:0018975, OMIM 162200. Disease mechanism: loss of function.

Allele frequency attached by ClinVar (database versions not stated): gnomAD 0.00001.
gnomAD v4.1: 1 of 1,613,806 alleles (0.000062%); highest among the groups gnomAD compares: Non-Finnish European, 0.000085%; no homozygotes.

Submissions (4):

PreventionGenetics, part of Exact Sciences
Classification: Uncertain significance for NF1-related condition. Last evaluated: 2026-05-22. Review status: criteria provided, single submitter. Criteria: ACMG Guidelines, 2015. Collection method: clinical testing. Allele origin: germline.
Comment: The NF1 c.6449G>C variant is predicted to result in the amino acid substitution p.Arg2150Thr. To our knowledge, this variant has not been reported in the literature or in a large population database (gnomAD), indicating this variant is rare. At this time, the clinical significance of this variant is uncertain due to the absence of conclusive functional and genetic evidence.

Labcorp Genetics (formerly Invitae), Labcorp
Classification: Likely benign for Neurofibromatosis, type 1. Last evaluated: 2025-08-22. Review status: criteria provided, single submitter. Criteria: Invitae Variant Classification Sherloc (09022015). Collection method: clinical testing. Allele origin: germline.

GeneDx
Classification: Uncertain significance. Last evaluated: 2023-01-05. Review status: criteria provided, single submitter. Criteria: GeneDx Variant Classification Process June 2021. Collection method: clinical testing. Allele origin: germline. Affected: yes.
Comment: Not observed at significant frequency in large population cohorts (gnomAD); In silico analysis supports that this missense variant has a deleterious effect on protein structure/function; Has not been previously published as pathogenic or benign to our knowledge

Ambry Genetics
Classification: Uncertain significance for Cardiovascular phenotype; Hereditary cancer-predisposing syndrome. Last evaluated: 2021-07-23. Review status: criteria provided, single submitter. Criteria: Ambry Variant Classification Scheme 2023. Collection method: clinical testing. Allele origin: germline.